The following is an entry in ClinVar:

ClinVar aggregate classification (germline): Likely pathogenic. Review status: reviewed by expert panel (3 of 4 stars). 2 submissions from 2 submitters: Likely pathogenic (1). 1 of the submissions does not count toward it. Last evaluated 2023-06-15.

Conditions:
Marfan syndrome (MFS). Also called: Marfan syndrome, classic; Marfan syndrome type 1; Marfan's syndrome; MARFAN SYNDROME, TYPE I; FBN1-Related Marfan Syndrome. Identifiers: Orphanet 284963, Orphanet 558, MedGen C0024796, MONDO:0007947, OMIM 154700.
Familial thoracic aortic aneurysm and aortic dissection (TAAD). Also called: Thoracic aortic aneurysms and dissections. Identifiers: Orphanet 91387, MedGen C4707243, MONDO:0019625.

Submissions (2):

ClinGen FBN1 Variant Curation Expert Panel, ClinGen
Classification: Likely pathogenic for Marfan syndrome. Last evaluated: 2023-06-15. Review status: reviewed by expert panel. Criteria: Assertion Criteria VCEP FBN1 Version 1. Collection method: curation. Allele origin: germline. Inheritance: Autosomal dominant inheritance.
Comment: The NM_00138 c.799_805del, is a frameshift variant in FBN1 and is predicted to result in a premature stop codon at position 327. It is expected to cause a shift in the reading frame and likely results in an absent or disrupted protein product (PVS1). This variant was reported a pathogenic once in ClinVar (Variation ID: 406374). This variant is not present in gnomAD v2.1.1 (PM2_sup). In summary, this variant meets criteria to be classified as likely pathogenic for Marfan syndrome based on the ACMG/AMP criteria applied, as specified by the ClinGen FBN1 VCEP: PVS1, PM2_supporting.

Labcorp Genetics (formerly Invitae), Labcorp
Classification: Pathogenic for Marfan syndrome; Familial thoracic aortic aneurysm and aortic dissection. Last evaluated: 2019-12-02. Review status: criteria provided, single submitter. Criteria: Invitae Variant Classification Sherloc (09022015). Collection method: clinical testing. Allele origin: germline. Not counted in ClinVar's aggregate classification.
Comment: This variant is not present in population databases (ExAC no frequency). This variant has not been reported in the literature in individuals with FBN1-related conditions. ClinVar contains an entry for this variant (Variation ID: 406374). Loss-of-function variants in FBN1 are known to be pathogenic (PMID: 17657824, 19293843). For these reasons, this variant has been classified as Pathogenic. This sequence change creates a premature translational stop signal (p.Gly267Leufs*61) in the FBN1 gene. It is expected to result in an absent or disrupted protein product.

Literature cited by the submitters: PubMed 17657824 (cited by Labcorp Genetics (formerly Invitae), Labcorp); PubMed 19293843 (cited by Labcorp Genetics (formerly Invitae), Labcorp).

NM_000138.5(FBN1):c.799_805del (p.Gly267fs)

Gene: FBN1 (fibrillin 1; minus strand). Cytogenetic location: 15q21.1.
Variant type: Deletion.
Coding change: c.799_805del on transcript NM_000138.5 (MANE Select); coding-DNA positions 799 to 805, 7 bases deleted (GGGTCTT; older notation c.799_805delGGGTCTT).
Protein change: p.Gly267fs; shifts the reading frame from glycine 267.
Molecular consequence: frameshift variant.
Genome position (GRCh38, 1-based): chr15:48,534,137-48,534,143, AAGACCC deleted on the plus strand (GGGTCTT on the coding strand, the reverse complement: FBN1 is on the minus strand); deleting any 7 consecutive bases within chr15:48,534,137-48,534,145 gives the same sequence; the c. name uses the placement nearest the transcript's 3' end. VCF-style (leftmost placement, unchanged base first): chr15-48534136-AAAGACCC-A. GRCh37 (hg19) VCF-style: chr15-48826333-AAAGACCC-A.
Other names: NM_000138.4(FBN1):c.799_805del; p.Gly267fs; c.799_805delGGGTCTT (NM_000138.4); short protein forms G267fs.
Identifiers: ClinVar variation 406374 (VCV000406374.9), dbSNP rs1060501100, ClinGen allele CA16614686.